The following is an entry in ClinVar:

NM_001375524.1(TRRAP):c.6691C>G (p.Pro2231Ala)

Gene: TRRAP (transformation/transcription domain associated protein; plus strand). Cytogenetic location: 7q22.1.
Variant type: single nucleotide variant.
Coding change: c.6691C>G on transcript NM_001375524.1 (MANE Select); coding-DNA position 6691, C replaced by G.
Protein change: p.Pro2231Ala; replaces proline 2231 with alanine.
Molecular consequence: missense variant.
Genome position (GRCh38, 1-based): chr7:98,961,462, C>G. VCF-style: chr7-98961462-C-G. GRCh37 (hg19) VCF-style: chr7-98559085-C-G.
Other names: c.6670C>G, p.Pro2224Ala (NM_001244580.2); c.6616C>G, p.Pro2206Ala (NM_003496.4); short protein forms P2206A, P2224A, P2231A.
Identifiers: ClinVar variation 1302665 (VCV001302665.2), dbSNP rs2116664797, ClinGen allele CA368285728.

ClinVar aggregate classification (germline): Uncertain significance (1 of 4 stars; one submission).

Submission:

GeneDx
Classification: Uncertain significance. Last evaluated: 2019-06-10. Review status: criteria provided, single submitter. Criteria: GeneDx Variant Classification Process June 2021. Collection method: clinical testing. Allele origin: germline. Affected: yes.
Comment: Not observed in large population cohorts (Lek et al., 2016); In silico analysis, which includes protein predictors and evolutionary conservation, supports a deleterious effect; Has not been previously published as pathogenic or benign to our knowledge